The following is an entry in ClinVar:

ClinVar aggregate classification (germline): Uncertain significance. Review status: criteria provided, multiple submitters, no conflicts (2 of 4 stars). 2 submissions from 2 submitters: Uncertain significance (2). Last evaluated 2024-12-09.

Conditions:
Inborn genetic diseases. Identifiers: MedGen C0950123, MeSH D030342.

Allele frequency attached by ClinVar (database versions not stated): TOPMed below 0.00001; gnomAD exomes 0.00001; ExAC 0.00002.
gnomAD v4.1: 5 of 1,613,884 alleles (0.00031%); highest among the groups gnomAD compares: South Asian, 0.0011%; no homozygotes.

Submissions (2):

Ambry Genetics
Classification: Uncertain significance for Inborn genetic diseases. Last evaluated: 2024-12-09. Review status: criteria provided, single submitter. Criteria: Ambry Variant Classification Scheme 2023. Collection method: clinical testing. Allele origin: germline.

Labcorp Genetics (formerly Invitae), Labcorp
Classification: Uncertain significance. Last evaluated: 2024-02-26. Review status: criteria provided, single submitter. Criteria: Invitae Variant Classification Sherloc (09022015). Collection method: clinical testing. Allele origin: germline.
Comment: This sequence change replaces arginine, which is basic and polar, with glutamine, which is neutral and polar, at codon 199 of the KCNQ5 protein (p.Arg199Gln). This variant is present in population databases (rs759489014, gnomAD 0.003%). This variant has not been reported in the literature in individuals affected with KCNQ5-related conditions. ClinVar contains an entry for this variant (Variation ID: 1363209). Advanced modeling of protein sequence and biophysical properties (such as structural, functional, and spatial information, amino acid conservation, physicochemical variation, residue mobility, and thermodynamic stability) performed at Invitae indicates that this missense variant is not expected to disrupt KCNQ5 protein function with a negative predictive value of 80%. Algorithms developed to predict the effect of sequence changes on RNA splicing suggest that this variant may disrupt the consensus splice site. In summary, the available evidence is currently insufficient to determine the role of this variant in disease. Therefore, it has been classified as a Variant of Uncertain Significance.

NM_019842.4(KCNQ5):c.596G>A (p.Arg199Gln)

Gene: KCNQ5 (potassium voltage-gated channel subfamily Q member 5; plus strand). Cytogenetic location: 6q13.
Variant type: single nucleotide variant.
Coding change: c.596G>A on transcript NM_019842.4 (MANE Select); coding-DNA position 596, G replaced by A.
Protein change: p.Arg199Gln; replaces arginine 199 with glutamine.
Molecular consequence: missense variant.
Genome position (GRCh38, 1-based): chr6:73,042,042, G>A. VCF-style: chr6-73042042-G-A. GRCh37 (hg19) VCF-style: chr6-73751765-G-A.
Other names: c.596G>A (NM_001160133.1); c.596G>A, p.Arg199Gln (NM_001160130.2, NM_001160132.2, NM_001160133.2 and 1 more transcripts); short protein forms R199Q.
Identifiers: ClinVar variation 1363209 (VCV001363209.9), dbSNP rs759489014, ClinGen allele CA3886780.
Genomic context (GRCh38, chr6:73,042,042, plus strand): 5'-TCTGGTCTGCGGGTTGCTGTTGTCGATATAGAGGATGGCAAGGAAGACTGAGGTTTGCTC[G>A]AAAGCCCTTCTGTGTTATAGGTGAATATCAGAGTCTCAGATACCTGGACTATGACACCAA-3'
Protein context (NP_062816.2, residues 189-209): RGWQGRLRFA[Arg199Gln]KPFCVIDTIV